The following is an entry in ClinVar:

NM_004064.5(CDKN1B):c.595_596insC (p.Ter199SerextTer?)

Gene: CDKN1B (cyclin dependent kinase inhibitor 1B; plus strand). Cytogenetic location: 12p13.1.
Variant type: Insertion.
Coding change: c.595_596insC on transcript NM_004064.5 (MANE Select); coding-DNA positions 595 to 596, C inserted.
Protein change: p.Ter199SerextTer?.
Molecular consequence: frameshift variant, stop lost.
Genome position: GRCh38 VCF-style: chr12-12718944-T-TC. GRCh37 (hg19) VCF-style: chr12-12871878-T-TC.
Identifiers: ClinVar variation 1750685 (VCV001750685.2), ClinGen allele CA2580085223.
Genomic context (GRCh38, chr12:12,718,944, plus strand): 5'-CCAAATGCCGGTTCTGTGGAGCAGACGCCCAAGAAGCCTGGCCTCAGAAGACGTCAAACG[T>TC]AAACAGCTCGGTGGGTTGATCACTAAAGGAGCACGCACTGGAACCCGGGGCCTTCAGACC-3'

ClinVar aggregate classification (germline): Uncertain significance (1 of 4 stars; one submission).

Conditions:
Hereditary cancer-predisposing syndrome. Also called: Hereditary Cancer Syndrome; Hereditary neoplastic syndrome; Neoplastic Syndromes, Hereditary; Tumor predisposition. Identifiers: Orphanet 140162, MedGen C0027672, MeSH D009386, MONDO:0015356.

Submission:

Ambry Genetics
Classification: Uncertain significance for Hereditary cancer-predisposing syndrome. Last evaluated: 2021-06-01. Review status: criteria provided, single submitter. Criteria: Ambry Variant Classification Scheme 2023. Collection method: clinical testing. Allele origin: germline.
Comment: The c.595_596insC variant, located in coding exon 2 of the CDKN1B gene, results from an insertion of one nucleotide at position 595, causing a translational frameshift with a predicted alternate stop codon (p.*199Sext*5). This alteration occurs at the 3' terminus of theCDKN1B gene, is not expected to trigger nonsense-mediated mRNAdecay and results in the elongation of the protein by 5 amino acids. This frameshift impacts the last amino acid of the native protein. The exact functional effect of the altered amino acids is unknown. Since supporting evidence is limited at this time, the clinical significance of this alteration remains unclear.